The following is an entry in ClinVar:

NM_001165963.4(SCN1A):c.429_430del (p.Phe144fs)

Gene: SCN1A (sodium voltage-gated channel alpha subunit 1; minus strand). Cytogenetic location: 2q24.3.
Variant type: Microsatellite.
Coding change: c.429_430del on transcript NM_001165963.4 (MANE Select); coding-DNA positions 429 to 430, 2 bases deleted (GT; older notation c.429_430delGT).
Protein change: p.Phe144fs; shifts the reading frame from phenylalanine 144.
Molecular consequence: frameshift variant. On other transcripts: 5 prime UTR variant (1), non-coding transcript variant (1).
Genome position (GRCh38, 1-based): chr2:166,056,454-166,056,455, AC deleted on the plus strand (GT on the coding strand, the reverse complement: SCN1A is on the minus strand); deleting any 2 consecutive bases within chr2:166,056,454-166,056,460 gives the same sequence; the c. name uses the placement nearest the transcript's 3' end. VCF-style (leftmost placement, unchanged base first): chr2-166056453-AAC-A. GRCh37 (hg19) VCF-style: chr2-166912963-AAC-A.
Other names: c.429_430del, p.Phe144fs (NM_001165964.3, NM_001202435.3, NM_001353948.2 and 10 more transcripts); c.-2001GT[2] (NM_001353961.2); short protein forms F144fs.
Identifiers: ClinVar variation 929413 (VCV000929413.12), dbSNP rs1699147493, ClinGen allele CA913189251.
Genomic context (GRCh38, chr2:166,056,453, plus strand): 5'-AATATAAGTTGAACTTACTCTACATTCTTTGTCCAATCAGGAGGGTTACTCATTGTCATA[AAC>A]ACACAGTTTGTCAAAATAGTGCACATAATTAGCATGCTGAATAATGTAGGTTATTGTTAA-3'

ClinVar aggregate classification (germline): Pathogenic. Review status: criteria provided, single submitter (1 of 4 stars). 2 submissions from 2 submitters: Pathogenic (1). 1 of the submissions does not count toward it. Last evaluated 2024-12-30.

Conditions:
Early-infantile DEE. Also called: Early infantile epileptic encephalopathy; Early infantile epileptic encephalopathy with suppression bursts; Ohtahara syndrome. Identifiers: Orphanet 1934, MedGen C0393706, MONDO:0800491.
Severe myoclonic epilepsy in infancy (DRVT). Also called: Epileptic encephalopathy, early infantile, 6 (Dravet syndrome); DEVELOPMENTAL AND EPILEPTIC ENCEPHALOPATHY 6A; Severe Myoclonic Epilepsy in Infancy (SMEI); SEVERE MYOCLONIC EPILEPSY OF INFANCY; Dravet syndrome. Identifiers: Orphanet 33069, MedGen C0751122, MONDO:0100135, OMIM 607208.

Submissions (2):

Labcorp Genetics (formerly Invitae), Labcorp
Classification: Pathogenic for Early-infantile DEE. Last evaluated: 2024-12-30. Review status: criteria provided, single submitter. Criteria: Invitae Variant Classification Sherloc (09022015). Collection method: clinical testing. Allele origin: germline.
Comment: This sequence change creates a premature translational stop signal (p.Phe144Tyrfs*5) in the SCN1A gene. It is expected to result in an absent or disrupted protein product. Loss-of-function variants in SCN1A are known to be pathogenic (PMID: 17347258, 18930999). This variant is not present in population databases (gnomAD no frequency). This premature translational stop signal has been observed in individual(s) with Dravet syndrome (PMID: 23195492). In at least one individual the variant was observed to be de novo. This variant is also known as V144fsX148. ClinVar contains an entry for this variant (Variation ID: 929413). For these reasons, this variant has been classified as Pathogenic.

Laboratory of Medical Genetics, National & Kapodistrian University of Athens
Classification: Pathogenic for Severe myoclonic epilepsy in infancy. Last evaluated: 2020-02-19. Review status: no assertion criteria provided. Collection method: clinical testing. Allele origin: germline. Affected: yes. Not counted in ClinVar's aggregate classification.

Literature cited by the submitters: PubMed 17347258 (cited by Labcorp Genetics (formerly Invitae), Labcorp); PubMed 18930999 (cited by Labcorp Genetics (formerly Invitae), Labcorp); PubMed 23195492 (cited by Labcorp Genetics (formerly Invitae), Labcorp).